The following is an entry in ClinVar:

NM_015164.4(PLEKHM2):c.1821G>T (p.Gln607His)

Gene: PLEKHM2 (pleckstrin homology and RUN domain containing M2; plus strand). Cytogenetic location: 1p36.21.
Variant type: single nucleotide variant.
Coding change: c.1821G>T on transcript NM_015164.4 (MANE Select); coding-DNA position 1821, G replaced by T.
Protein change: p.Gln607His; replaces glutamine 607 with histidine.
Molecular consequence: missense variant.
Genome position (GRCh38, 1-based): chr1:15,728,139, G>T. VCF-style: chr1-15728139-G-T. GRCh37 (hg19) VCF-style: chr1-16054634-G-T.
Other names: c.1761G>T, p.Gln587His (NM_001410755.1); short protein forms Q587H, Q607H.
Identifiers: ClinVar variation 4812514 (VCV004812514.1).

ClinVar aggregate classification (germline): Uncertain significance (1 of 4 stars; one submission).

Submission:

Labcorp Genetics (formerly Invitae), Labcorp
Classification: Uncertain significance. Last evaluated: 2025-10-06. Review status: criteria provided, single submitter. Criteria: Invitae Variant Classification Sherloc (09022015). Collection method: clinical testing. Allele origin: germline.
Comment: This sequence change replaces glutamine, which is neutral and polar, with histidine, which is basic and polar, at codon 607 of the PLEKHM2 protein (p.Gln607His). This variant is not present in population databases (gnomAD no frequency). This variant has not been reported in the literature in individuals affected with PLEKHM2-related conditions. An algorithm developed to predict the effect of missense changes on protein structure and function (PolyPhen-2) suggests that this variant is likely to be disruptive. In summary, the available evidence is currently insufficient to determine the role of this variant in disease. Therefore, it has been classified as a Variant of Uncertain Significance.